The following is an entry in ClinVar:

NM_002226.5(JAG2):c.1135G>A (p.Gly379Arg)

Gene: JAG2 (jagged canonical Notch ligand 2; minus strand). Cytogenetic location: 14q32.33.
Variant type: single nucleotide variant.
Coding change: c.1135G>A on transcript NM_002226.5 (MANE Select); coding-DNA position 1135, G replaced by A.
Protein change: p.Gly379Arg; replaces glycine 379 with arginine.
Molecular consequence: missense variant.
Genome position (GRCh38, 1-based): chr14:105,151,644, C>T on the plus strand (G>A on the coding strand, the complement: JAG2 is on the minus strand). VCF-style: chr14-105151644-C-T. GRCh37 (hg19) VCF-style: chr14-105617981-C-T.
Other names: c.1135G>A, p.Gly379Arg (NM_145159.3); short protein forms G379R.
Identifiers: ClinVar variation 3896888 (VCV003896888.1).
Genomic context (GRCh38, chr14:105,151,644, plus strand): 5'-TGATACTAGGCAGGAGTCCCCTACTCACGTGCAGACACTCACCAAGGGCACAGGTGGGCC[C>T]GCTCCAGCCCGATGGGCAGTGGCATTCGAAGCCGGACGGCACCTCATGGCAAGAGCCCCC-3'
Protein context (NP_002217.3, residues 369-389): FECHCPSGWS[Gly379Arg]PTCALDIDEC

ClinVar aggregate classification (germline): Uncertain significance (1 of 4 stars; one submission).

Conditions:
Muscular dystrophy, limb-girdle, autosomal recessive 27. Identifiers: MedGen C5562002, MONDO:0030456, OMIM 619566.

gnomAD v4.1: 4 of 1,607,976 alleles (0.00025%); highest among the groups gnomAD compares: Non-Finnish European, 0.00034%; no homozygotes.

Submission:

Kariminejad - Najmabadi Pathology & Genetics Center
Classification: Uncertain significance for Muscular dystrophy, limb-girdle, autosomal recessive 27. Last evaluated: 2021-04-03. Review status: criteria provided, single submitter. Criteria: ACMG Guidelines, 2015. Collection method: clinical testing. Allele origin: germline. Inheritance: Autosomal recessive inheritance. Affected: yes.
Comment: PM2,PP3